The following is an entry in ClinVar:

ClinVar aggregate classification (germline): Uncertain significance (1 of 4 stars; one submission).

Submission:

GeneDx
Classification: Uncertain significance. Last evaluated: 2025-07-28. Review status: criteria provided, single submitter. Criteria: GeneDx Variant Classification Process June 2021. Collection method: clinical testing. Allele origin: germline. Affected: yes.
Comment: Not observed at significant frequency in large population cohorts (gnomAD); In silico analysis suggests that this missense variant does not alter protein structure/function; Has not been previously published as pathogenic or benign to our knowledge

NM_000170.3(GLDC):c.2374G>A (p.Glu792Lys)

Gene: GLDC (glycine decarboxylase; minus strand). Cytogenetic location: 9p24.1.
Variant type: single nucleotide variant.
Coding change: c.2374G>A on transcript NM_000170.3 (MANE Select); coding-DNA position 2374, G replaced by A.
Protein change: p.Glu792Lys; replaces glutamic acid 792 with lysine.
Molecular consequence: missense variant.
Genome position (GRCh38, 1-based): chr9:6,553,451, C>T on the plus strand (G>A on the coding strand, the complement: GLDC is on the minus strand). VCF-style: chr9-6553451-C-T. GRCh37 (hg19) VCF-style: chr9-6553451-C-T.
Other names: short protein forms E792K.
Identifiers: ClinVar variation 4690024 (VCV004690024.1).